The following is an entry in ClinVar:

ClinVar aggregate classification (germline): Likely pathogenic (1 of 4 stars; one submission).

Conditions:
Hereditary cancer-predisposing syndrome. Also called: Neoplastic Syndromes, Hereditary; Tumor predisposition; Hereditary neoplastic syndrome; Hereditary Cancer Syndrome. Identifiers: Orphanet 140162, MedGen C0027672, MeSH D009386, MONDO:0015356.

Submission:

Ambry Genetics
Classification: Likely pathogenic for Hereditary cancer-predisposing syndrome. Last evaluated: 2023-11-01. Review status: criteria provided, single submitter. Criteria: Ambry Variant Classification Scheme 2023. Collection method: clinical testing. Allele origin: germline.
Comment: The c.3978_3981dupGAAT variant, located in coding exon 9 of the MSH6 gene, results from a duplication of GAAT at nucleotide position 3978, causing a translational frameshift with a predicted alternate stop codon (p.Q1328Efs*14). This alteration occurs at the 3' terminus of theMSH6 gene, is not expected to trigger nonsense-mediated mRNA decay, and only impacts the last 33 amino acids (2.4%) of the protein. However, premature stop codons are typically deleterious in nature and the impacted region is critical for protein function (Ambry internal data). This amino acid position is not well conserved in available vertebrate species. This variant is considered to be rare based on population cohorts in the Genome Aggregation Database (gnomAD). Based on the majority of available evidence to date, this variant is likely to be pathogenic.

NM_000179.3(MSH6):c.3978_3981dup (p.Gln1328fs)

Gene: MSH6 (mutS homolog 6; plus strand). Cytogenetic location: 2p16.3.
Variant type: Duplication.
Coding change: c.3978_3981dup on transcript NM_000179.3 (MANE Select); coding-DNA positions 3978 to 3981, 4 bases duplicated (GAAT; older notation c.3978_3981dupGAAT).
Protein change: p.Gln1328fs; shifts the reading frame from glutamine 1328.
Molecular consequence: frameshift variant. On other transcripts: no sequence alteration (1), non-coding transcript variant (5), intron variant (1).
Genome position (GRCh38, 1-based): chr2:47,806,628-47,806,631, GAAT duplicated; duplicating any 4 consecutive bases within chr2:47,806,626-47,806,631 gives the same sequence; the c. name uses the placement nearest the transcript's 3' end. VCF-style (leftmost placement, unchanged base first): chr2-47806625-G-GATGA. GRCh37 (hg19) VCF-style: chr2-48033764-G-GATGA.
Other names: c.3588_3591dup, p.Gln1198fs (NM_001281492.2); c.3072_3075dup, p.Gln1026fs (NM_001281493.2, NM_001281494.2, NM_001406811.1 and 6 more transcripts); c.4074_4077dup, p.Gln1360fs (NM_001406795.1); c.3978_3981dup, p.Gln1328fs (NM_001406796.1, NM_001406808.1, NM_001406809.1); c.3681_3684dup, p.Gln1229fs (NM_001406797.1, NM_001406801.1, NM_001406805.1 and 10 more transcripts); c.3804_3807dup, p.Gln1270fs (NM_001406798.1); c.3453_3456dup, p.Gln1153fs (NM_001406799.1, NM_001406806.1, NM_001406807.1); c.3965_*2dup, p.Arg1321_Ter1322= (NM_001406800.1); and 10 more; short protein forms Q1026fs, Q1040fs, Q1153fs, Q1198fs, Q1229fs, Q1270fs, Q1272fs, Q1302fs.
Identifiers: ClinVar variation 3230574 (VCV003230574.1), dbSNP rs2530877436, ClinGen allele CA2825001142.